The following is an entry in ClinVar:

ClinVar aggregate classification (germline): Likely benign. Review status: criteria provided, multiple submitters, no conflicts (2 of 4 stars). 3 submissions from 3 submitters: Likely benign (3). Last evaluated 2025-02-20.

Conditions:
Hereditary spastic paraplegia 8 (SPG8). Also called: SPASTIC PARAPLEGIA 8, AUTOSOMAL DOMINANT. Identifiers: Orphanet 100989, MedGen C1863704, MONDO:0011339, OMIM 603563.
Ritscher-Schinzel syndrome. Also called: CRANIOCEREBELLOCARDIAC DYSPLASIA. Identifiers: Orphanet 7, MedGen C0796137, MONDO:0019078.

Allele frequency attached by ClinVar (database versions not stated): TOPMed 0.00020; gnomAD 0.00021; ESP Exome Variant Server 0.00023; gnomAD exomes 0.00030.
gnomAD v4.1: 430 of 1,513,200 alleles (0.028%); highest among the groups gnomAD compares: Admixed American, 0.043%; no homozygotes.

Submissions (3):

Labcorp Genetics (formerly Invitae), Labcorp
Classification: Likely benign for Ritscher-Schinzel syndrome; Hereditary spastic paraplegia 8. Last evaluated: 2025-02-20. Review status: criteria provided, single submitter. Criteria: Invitae Variant Classification Sherloc (09022015). Collection method: clinical testing. Allele origin: germline.

Blueprint Genetics
Classification: Likely benign. Last evaluated: 2024-05-22. Review status: criteria provided, single submitter. Criteria: ACMG Guidelines, 2015. Collection method: clinical testing. Allele origin: germline.

Illumina Laboratory Services, Illumina
Classification: Likely benign for Hereditary spastic paraplegia 8. Last evaluated: 2018-01-13. Review status: criteria provided, single submitter. Criteria: ICSL Variant Classification Criteria 13 December 2019. Collection method: clinical testing. Allele origin: germline.
Comment: This variant was observed in the ICSL laboratory as part of a predisposition screen in an ostensibly healthy population. It had not been previously curated by ICSL or reported in the Human Gene Mutation Database (HGMD: prior to June 1st, 2018), and was therefore a candidate for classification through an automated scoring system. Utilizing variant allele frequency, disease prevalence and penetrance estimates, and inheritance mode, an automated score was calculated to assess if this variant is too frequent to cause the disease. Based on the score and internal cut-off values, a variant classified as likely benign is not then subjected to further curation. The score for this variant resulted in a classification of likely benign for this disease.

NM_014846.4(WASHC5):c.2017-13T>C

Gene: WASHC5 (WASH complex subunit 5; minus strand). Cytogenetic location: 8q24.13.
Variant type: single nucleotide variant.
Coding change: c.2017-13T>C on transcript NM_014846.4 (MANE Select); 13 bases into the intron before coding-DNA position 2017, T replaced by C.
Molecular consequence: intron variant.
Genome position (GRCh38, 1-based): chr8:125,055,684, A>G on the plus strand (T>C on the coding strand, the complement: WASHC5 is on the minus strand). VCF-style: chr8-125055684-A-G. GRCh37 (hg19) VCF-style: chr8-126067926-A-G.
Other names: c.1573-13T>C (NM_001330609.2).
Identifiers: ClinVar variation 361720 (VCV000361720.10), dbSNP rs74458977, ClinGen allele CA4873640.